The following is an entry in ClinVar:

ClinVar aggregate classification (germline): Uncertain significance (1 of 4 stars; one submission).

Submission:

Labcorp Genetics (formerly Invitae), Labcorp
Classification: Uncertain significance. Last evaluated: 2025-12-17. Review status: criteria provided, single submitter. Criteria: Invitae Variant Classification Sherloc (09022015). Collection method: clinical testing. Allele origin: germline.
Comment: This sequence change replaces serine, which is neutral and polar, with glycine, which is neutral and non-polar, at codon 1024 of the A2ML1 protein (p.Ser1024Gly). This variant is not present in population databases (gnomAD no frequency). This variant has not been reported in the literature in individuals affected with A2ML1-related conditions. An algorithm developed to predict the effect of missense changes on protein structure and function (PolyPhen-2) suggests that this variant is likely to be tolerated. In summary, the available evidence is currently insufficient to determine the role of this variant in disease. Therefore, it has been classified as a Variant of Uncertain Significance.

NM_144670.6(A2ML1):c.3070A>G (p.Ser1024Gly)

Gene: A2ML1 (alpha-2-macroglobulin like 1; plus strand). Cytogenetic location: 12p13.31.
Variant type: single nucleotide variant.
Coding change: c.3070A>G on transcript NM_144670.6 (MANE Select); coding-DNA position 3070, A replaced by G.
Protein change: p.Ser1024Gly; replaces serine 1024 with glycine.
Molecular consequence: missense variant.
Genome position (GRCh38, 1-based): chr12:8,857,551, A>G. VCF-style: chr12-8857551-A-G. GRCh37 (hg19) VCF-style: chr12-9010147-A-G.
Other names: c.1597A>G, p.Ser533Gly (NM_001282424.3); short protein forms S1024G, S533G.
Identifiers: ClinVar variation 4762778 (VCV004762778.1).
Genomic context (GRCh38, chr12:8,857,551, plus strand): 5'-ACATTTGGCTTCCCAGGGTACCAGAAGGAGCTGATGTACAAACACAGCAATGGCTCATAC[A>G]GTGCCTTTGGGGAGCGAGATGGAAATGGAAACACATGGTAATATCACCCAATTCCCAATG-3'
Protein context (NP_653271.3, residues 1014-1034): LMYKHSNGSY[Ser1024Gly]AFGERDGNGN